The following is an entry in ClinVar:

NM_000081.4(LYST):c.7882C>G (p.Gln2628Glu)

Gene: LYST (lysosomal trafficking regulator; minus strand). Cytogenetic location: 1q42.3.
Variant type: single nucleotide variant.
Coding change: c.7882C>G on transcript NM_000081.4 (MANE Select); coding-DNA position 7882, C replaced by G.
Protein change: p.Gln2628Glu; replaces glutamine 2628 with glutamic acid.
Molecular consequence: missense variant.
Genome position (GRCh38, 1-based): chr1:235,746,426, G>C on the plus strand (C>G on the coding strand, the complement: LYST is on the minus strand). VCF-style: chr1-235746426-G-C. GRCh37 (hg19) VCF-style: chr1-235909726-G-C.
Other names: c.7882C>G, p.Gln2628Glu (NM_001301365.1); short protein forms Q2628E.
Identifiers: ClinVar variation 2096863 (VCV002096863.3), dbSNP rs2527667374, ClinGen allele CA344927357.

ClinVar aggregate classification (germline): Uncertain significance (1 of 4 stars; one submission).

Conditions:
Chédiak-Higashi syndrome (CHS). Also called: Chediak-Higashi Syndrome. Identifiers: Orphanet 167, MedGen C0007965, MONDO:0008963, OMIM 214500.

Allele frequency attached by ClinVar (database versions not stated): gnomAD exomes below 0.00001.
gnomAD v4.1: 1 of 1,613,808 alleles (0.000062%); highest among the groups gnomAD compares: Non-Finnish European, 0.000085%; no homozygotes.

Submission:

Labcorp Genetics (formerly Invitae), Labcorp
Classification: Uncertain significance for Chédiak-Higashi syndrome. Last evaluated: 2022-02-11. Review status: criteria provided, single submitter. Criteria: Invitae Variant Classification Sherloc (09022015). Collection method: clinical testing. Allele origin: germline.
Comment: In summary, the available evidence is currently insufficient to determine the role of this variant in disease. Therefore, it has been classified as a Variant of Uncertain Significance. Algorithms developed to predict the effect of missense changes on protein structure and function (SIFT, PolyPhen-2, Align-GVGD) all suggest that this variant is likely to be tolerated. This variant has not been reported in the literature in individuals affected with LYST-related conditions. This variant is not present in population databases (gnomAD no frequency). This sequence change replaces glutamine, which is neutral and polar, with glutamic acid, which is acidic and polar, at codon 2628 of the LYST protein (p.Gln2628Glu).